The following is an entry in ClinVar:

ClinVar aggregate classification (germline): Uncertain significance (1 of 4 stars; one submission).

Allele frequency attached by ClinVar (database versions not stated): gnomAD 0.00001.
gnomAD v4.1: 4 of 1,613,696 alleles (0.00025%); highest among the groups gnomAD compares: South Asian, 0.0011%; no homozygotes.

Submission:

Labcorp Genetics (formerly Invitae), Labcorp
Classification: Uncertain significance. Last evaluated: 2021-12-15. Review status: criteria provided, single submitter. Criteria: Invitae Variant Classification Sherloc (09022015). Collection method: clinical testing. Allele origin: germline.
Comment: In summary, the available evidence is currently insufficient to determine the role of this variant in disease. Therefore, it has been classified as a Variant of Uncertain Significance. Algorithms developed to predict the effect of missense changes on protein structure and function are either unavailable or do not agree on the potential impact of this missense change (SIFT: "Tolerated"; PolyPhen-2: "Possibly Damaging"; Align-GVGD: "Class C0"). This variant has not been reported in the literature in individuals affected with DIAPH3-related conditions. This variant is present in population databases (no rsID available, gnomAD 0.0009%). This sequence change replaces leucine, which is neutral and non-polar, with proline, which is neutral and non-polar, at codon 619 of the DIAPH3 protein (p.Leu619Pro).

NM_001042517.2(DIAPH3):c.1856T>C (p.Leu619Pro)

Gene: DIAPH3 (diaphanous related formin 3; minus strand). Cytogenetic location: 13q21.2.
Variant type: single nucleotide variant.
Coding change: c.1856T>C on transcript NM_001042517.2 (MANE Select); coding-DNA position 1856, T replaced by C.
Protein change: p.Leu619Pro; replaces leucine 619 with proline.
Molecular consequence: missense variant.
Genome position (GRCh38, 1-based): chr13:59,970,955, A>G on the plus strand (T>C on the coding strand, the complement: DIAPH3 is on the minus strand). VCF-style: chr13-59970955-A-G. GRCh37 (hg19) VCF-style: chr13-60545089-A-G.
Other names: c.1823T>C, p.Leu608Pro (NM_001258366.2); c.1718T>C, p.Leu573Pro (NM_001258367.2); c.1646T>C, p.Leu549Pro (NM_001258368.2); c.1856T>C, p.Leu619Pro (NM_001258369.2); c.1067T>C, p.Leu356Pro (NM_001258370.2, NM_030932.4); short protein forms L608P, L573P, L549P, L619P, L356P.
Identifiers: ClinVar variation 1396443 (VCV001396443.6), dbSNP rs1430861215, ClinGen allele CA388331243.
Genomic context (GRCh38, chr13:59,970,955, plus strand): 5'-TCTTTCTTTGGTTTCAACCCAAATGGCAGGATTGGTAGAGGAGGAGAATTTTGTCCTCCA[A>G]GGAATCCCAGGGGAGGTGGTGGAGGCACAGGACCACTGAATGGCATCCGCATTCCTGGAA-3'
Protein context (NP_001035982.1, residues 609-629): PVPPPPPLGF[Leu619Pro]GGQNSPPLPI